The following is an entry in ClinVar:

ClinVar aggregate classification (germline): Uncertain significance (1 of 4 stars; one submission).

Conditions:
Tibial muscular dystrophy (TMD). Also called: UDD MYOPATHY; Tibial muscular dystrophy, tardive; Udd Distal Myopathy – Tibial Muscular Dystrophy. Identifiers: Orphanet 609, MedGen C1838244, MONDO:0010870, OMIM 600334.

Submission:

Neuberg Centre For Genomic Medicine, NCGM
Classification: Uncertain significance for Tibial muscular dystrophy. Review status: criteria provided, single submitter. Criteria: ACMG Guidelines, 2015. Collection method: clinical testing. Allele origin: germline. Inheritance: Autosomal dominant inheritance. Affected: yes.
Comment: The missense variant c.87781C>T (p.Pro29261Ser) in TTN gene has not been reported previously as a pathogenic variant nor as a benign variant, to our knowledge. The p.Pro29261Ser variant is novel (not in any individuals) in gnomAD Exomes and 1000 Genomes. The amino acid Pro at position 29261 is changed to a Ser changing protein sequence and it might alter its composition and physico-chemical properties. For these reasons, this variant has been classified as Uncertain Significance .

NM_001267550.2(TTN):c.87781C>T (p.Pro29261Ser)

Genes: TTN (titin; minus strand), TTN-AS1 (TTN antisense RNA 1; plus strand). Cytogenetic location: 2q31.2.
Variant type: single nucleotide variant.
Coding change: c.87781C>T on transcript NM_001267550.2 (MANE Select); coding-DNA position 87781, C replaced by T.
Protein change: p.Pro29261Ser; replaces proline 29261 with serine.
Molecular consequence: missense variant.
Genome position (GRCh38, 1-based): chr2:178,557,481, G>A on the plus strand (C>T on the coding strand, the complement: TTN is on the minus strand). VCF-style: chr2-178557481-G-A. GRCh37 (hg19) VCF-style: chr2-179422208-G-A.
Other names: c.82858C>T, p.Pro27620Ser (NM_001256850.1); c.60586C>T, p.Pro20196Ser (NM_003319.4); c.80077C>T, p.Pro26693Ser (NM_133378.4); c.60961C>T, p.Pro20321Ser (NM_133432.3); c.61162C>T, p.Pro20388Ser (NM_133437.4); short protein forms P27620S, P20196S, P29261S, P20388S, P26693S, P20321S.
Identifiers: ClinVar variation 2585039 (VCV002585039.1), dbSNP rs2469530252, ClinGen allele CA349534293.
Genomic context (GRCh38, chr2:178,557,481, plus strand): 5'-TGTTTCTGTCTTTCATTTCCAGGTGATAGCCTACGACTGCACTGCCTCCATTTGACACTG[G>A]TTCATGCCAGCCCACAGTGATGCTTTCTCGAGTAACATTAGTGACCCATGGTGTAGATGG-3'
Protein context (NP_001254479.2, residues 29251-29271): RESITVGWHE[Pro29261Ser]VSNGGSAVVG